The following is an entry in ClinVar:

ClinVar aggregate classification (germline): Uncertain significance. Review status: criteria provided, multiple submitters, no conflicts (2 of 4 stars). 2 submissions from 2 submitters: Uncertain significance (2). Last evaluated 2024-07-25.

Conditions:
Combined immunodeficiency due to ZAP70 deficiency (IMD48). Also called: ZAP70 Deficiency; Immunodeficiency 48. Identifiers: Orphanet 911, MedGen C2931299, MONDO:0010023, OMIM 269840.

Allele frequency attached by ClinVar (database versions not stated): gnomAD 0.00003; ExAC 0.00005; TOPMed 0.00003; gnomAD exomes 0.00004.
gnomAD v4.1: 55 of 1,613,204 alleles (0.0034%); highest among the groups gnomAD compares: Non-Finnish European, 0.0045%; no homozygotes.

Submissions (2):

Blueprint Genetics
Classification: Uncertain significance. Last evaluated: 2024-07-25. Review status: criteria provided, single submitter. Criteria: ACMG Guidelines, 2015. Collection method: clinical testing. Allele origin: germline.

Labcorp Genetics (formerly Invitae), Labcorp
Classification: Uncertain significance for Combined immunodeficiency due to ZAP70 deficiency. Last evaluated: 2022-08-16. Review status: criteria provided, single submitter. Criteria: Invitae Variant Classification Sherloc (09022015). Collection method: clinical testing. Allele origin: germline.
Comment: This sequence change creates a premature translational stop signal (p.Lys613*) in the ZAP70 gene. While this is not anticipated to result in nonsense mediated decay, it is expected to disrupt the last 7 amino acid(s) of the ZAP70 protein. This variant is present in population databases (rs769243855, gnomAD 0.007%). This variant has not been reported in the literature in individuals affected with ZAP70-related conditions. ClinVar contains an entry for this variant (Variation ID: 1517997). Algorithms developed to predict the effect of sequence changes on RNA splicing suggest that this variant may create or strengthen a splice site. In summary, the available evidence is currently insufficient to determine the role of this variant in disease. Therefore, it has been classified as a Variant of Uncertain Significance.

NM_001079.4(ZAP70):c.1837A>T (p.Lys613Ter)

Gene: ZAP70 (zeta chain of T cell receptor associated protein kinase 70; plus strand). Cytogenetic location: 2q11.2.
Variant type: single nucleotide variant.
Coding change: c.1837A>T on transcript NM_001079.4 (MANE Select); coding-DNA position 1837, A replaced by T.
Protein change: p.Lys613Ter; replaces lysine 613 with a stop codon.
Molecular consequence: nonsense.
Genome position (GRCh38, 1-based): chr2:97,739,475, A>T. VCF-style: chr2-97739475-A-T. GRCh37 (hg19) VCF-style: chr2-98355938-A-T.
Other names: c.1837A>T, p.Lys613Ter (NM_001378594.1); c.916A>T, p.Lys306Ter (NM_207519.2); short protein forms K613*, K306*.
Identifiers: ClinVar variation 1517997 (VCV001517997.4), dbSNP rs769243855, ClinGen allele CA1790587.